The following is an entry in ClinVar:

NM_001211.6(BUB1B):c.1714G>A (p.Asp572Asn)

Gene: BUB1B (BUB1 mitotic checkpoint serine/threonine kinase B; plus strand). Cytogenetic location: 15q15.1.
Variant type: single nucleotide variant.
Coding change: c.1714G>A on transcript NM_001211.6 (MANE Select); coding-DNA position 1714, G replaced by A.
Protein change: p.Asp572Asn; replaces aspartic acid 572 with asparagine.
Molecular consequence: missense variant.
Genome position (GRCh38, 1-based): chr15:40,202,674, G>A. VCF-style: chr15-40202674-G-A. GRCh37 (hg19) VCF-style: chr15-40494875-G-A.
Other names: short protein forms D572N.
Identifiers: ClinVar variation 5033542 (VCV005033542.1).

ClinVar aggregate classification (germline): Uncertain significance (1 of 4 stars; one submission).

Conditions:
Inborn genetic diseases. Identifiers: MedGen C0950123, MeSH D030342.

Submission:

Ambry Genetics
Classification: Uncertain significance for Inborn genetic diseases. Last evaluated: 2026-08-28. Review status: criteria provided, single submitter. Criteria: Ambry Variant Classification Scheme 2023. Collection method: clinical testing. Allele origin: germline.
Comment: The p.D572N variant (also known as c.1714G>A), located in coding exon 14 of the BUB1B gene, results from a G to A substitution at nucleotide position 1714. The aspartic acid at codon 572 is replaced by asparagine, an amino acid with highly similar properties. This amino acid position is conserved. In addition, this alteration is predicted to be tolerated by in silico analysis. Based on the available evidence, the clinical significance of this variant remains unclear.